The following is an entry in ClinVar:

NM_176824.3(BBS7):c.326A>G (p.Glu109Gly)

Gene: BBS7 (Bardet-Biedl syndrome 7; minus strand). Cytogenetic location: 4q27.
Variant type: single nucleotide variant.
Coding change: c.326A>G on transcript NM_176824.3 (MANE Select); coding-DNA position 326, A replaced by G.
Protein change: p.Glu109Gly; replaces glutamic acid 109 with glycine.
Molecular consequence: missense variant.
Genome position (GRCh38, 1-based): chr4:121,861,519, T>C on the plus strand (A>G on the coding strand, the complement: BBS7 is on the minus strand). VCF-style: chr4-121861519-T-C. GRCh37 (hg19) VCF-style: chr4-122782674-T-C.
Other names: c.326A>G, p.Glu109Gly (NM_018190.4); short protein forms E109G.
Identifiers: ClinVar variation 1350933 (VCV001350933.8), dbSNP rs2149087444, ClinGen allele CA358044162.

ClinVar aggregate classification (germline): Uncertain significance (1 of 4 stars; one submission).

Conditions:
Bardet-Biedl syndrome (BBS). Identifiers: Orphanet 110, MedGen C0752166, MONDO:0015229.

Submission:

Labcorp Genetics (formerly Invitae), Labcorp
Classification: Uncertain significance for Bardet-Biedl syndrome. Last evaluated: 2022-10-05. Review status: criteria provided, single submitter. Criteria: Invitae Variant Classification Sherloc (09022015). Collection method: clinical testing. Allele origin: germline.
Comment: This sequence change replaces glutamic acid, which is acidic and polar, with glycine, which is neutral and non-polar, at codon 109 of the BBS7 protein (p.Glu109Gly). This variant is not present in population databases (gnomAD no frequency). This variant has not been reported in the literature in individuals affected with BBS7-related conditions. ClinVar contains an entry for this variant (Variation ID: 1350933). Advanced modeling of protein sequence and biophysical properties (such as structural, functional, and spatial information, amino acid conservation, physicochemical variation, residue mobility, and thermodynamic stability) performed at Invitae indicates that this missense variant is expected to disrupt BBS7 protein function. In summary, the available evidence is currently insufficient to determine the role of this variant in disease. Therefore, it has been classified as a Variant of Uncertain Significance.